The following is an entry in ClinVar:

ClinVar aggregate classification (germline): Conflicting classifications of pathogenicity. Review status: criteria provided, conflicting classifications (1 of 4 stars). 4 submissions from 4 submitters: Pathogenic (1); Uncertain significance (2); Benign (1). Last evaluated 2025-04-14.

Conditions:
Retinal dystrophy. Also called: Inherited retinal dystrophy. Identifiers: Orphanet 71862, MedGen C0854723, MeSH D058499, MONDO:0019118, HP:0000556.
Retinitis pigmentosa (RP). Identifiers: Orphanet 791, MedGen C0035334, MeSH D012174, MONDO:0019200, OMIM 268000. Inheritance: Autosomal dominant, autosomal recessive and X linked inheritance.

Allele frequency attached by ClinVar (database versions not stated): gnomAD 0.00001 and 0.00002; gnomAD exomes 0.00002 and 0.00007; ExAC 0.00008; TOPMed 0.00008; 1000 Genomes Project 30x 0.00016; 1000 Genomes Project 0.00020.

Submissions (4):

Labcorp Genetics (formerly Invitae), Labcorp
Classification: Uncertain significance. Last evaluated: 2025-04-14. Review status: criteria provided, single submitter. Criteria: Invitae Variant Classification Sherloc (09022015). Collection method: clinical testing. Allele origin: germline.
Comment: This sequence change replaces cysteine, which is neutral and slightly polar, with phenylalanine, which is neutral and non-polar, at codon 118 of the ARL3 protein (p.Cys118Phe). This variant is present in population databases (rs551366324, gnomAD 0.1%). This missense change has been observed in individual(s) with clinical features of ARL3-related conditions (PMID: 33748123). ClinVar contains an entry for this variant (Variation ID: 997972). An algorithm developed to predict the effect of missense changes on protein structure and function (PolyPhen-2) suggests that this variant is likely to be tolerated. Experimental studies have shown that this missense change affects ARL3 function (PMID: 33748123). In summary, the available evidence is currently insufficient to determine the role of this variant in disease. Therefore, it has been classified as a Variant of Uncertain Significance.

Dept Of Ophthalmology, Nagoya University
Classification: Benign for Retinal dystrophy. Last evaluated: 2023-10-01. Review status: criteria provided, single submitter. Criteria: Submitter's publication. Collection method: research. Allele origin: germline. Affected: yes.

Blueprint Genetics
Classification: Uncertain significance. Last evaluated: 2023-04-21. Review status: criteria provided, single submitter. Criteria: ACMG Guidelines, 2015. Collection method: clinical testing. Allele origin: germline.

Henan Ocular Pharmacology and Therapeutics International Laboratory, Henan Provincial People’s Hospital
Classification: Pathogenic for Retinitis pigmentosa. Review status: criteria provided, single submitter. Criteria: ACMG Guidelines, 2015. Collection method: research, in vitro. Allele origin: inherited, not applicable. Inheritance: Autosomal recessive inheritance. Observed: 1 variant allele, 1 compound heterozygote.

Literature cited by the submitters: PubMed 33748123 (cited by Labcorp Genetics (formerly Invitae), Labcorp).

NM_004311.4(ARL3):c.353G>T (p.Cys118Phe)

Gene: ARL3 (ARF like GTPase 3; minus strand). Cytogenetic location: 10q24.32.
Variant type: single nucleotide variant.
Coding change: c.353G>T on transcript NM_004311.4 (MANE Select); coding-DNA position 353, G replaced by T.
Protein change: p.Cys118Phe; replaces cysteine 118 with phenylalanine.
Molecular consequence: missense variant.
Genome position (GRCh38, 1-based): chr10:102,685,964, C>A on the plus strand (G>T on the coding strand, the complement: ARL3 is on the minus strand). VCF-style: chr10-102685964-C-A. GRCh37 (hg19) VCF-style: chr10-104445721-C-A.
Other names: short protein forms C118F.
Identifiers: ClinVar variation 997972 (VCV000997972.11), dbSNP rs551366324, ClinGen allele CA5668443.
Genomic context (GRCh38, chr10:102,685,964, plus strand): 5'-TCAGAGGCAGGGGCTGCTGTGAGCAAATCCTGCTTATTAGCAAAGATGAGCACTGGCACA[C>A]AACTTAGTTTTTCTTCCTCCAGTAATTCCGCTAGTTCCTGGATTTTGAGAAGGGAGAGGG-3'
Protein context (NP_004302.1, residues 108-128): AELLEEEKLS[Cys118Phe]VPVLIFANKQ